The following is an entry in ClinVar:

ClinVar aggregate classification (germline): Conflicting classifications of pathogenicity. Review status: criteria provided, conflicting classifications (1 of 4 stars). 2 submissions from 2 submitters: Uncertain significance (1); Likely benign (1). Last evaluated 2025-01-11.

Conditions:
Inborn genetic diseases. Identifiers: MedGen C0950123, MeSH D030342.

Submissions (2):

Labcorp Genetics (formerly Invitae), Labcorp
Classification: Uncertain significance. Last evaluated: 2025-01-11. Review status: criteria provided, single submitter. Criteria: Invitae Variant Classification Sherloc (09022015). Collection method: clinical testing. Allele origin: germline.
Comment: This variant, c.1046_1051dup, results in the insertion of 2 amino acid(s) of the ARID1B protein (p.Ala349_Ala350dup), but otherwise preserves the integrity of the reading frame. The frequency data for this variant in the population databases is considered unreliable, as metrics indicate insufficient coverage at this position in the gnomAD database. This variant has not been reported in the literature in individuals affected with ARID1B-related conditions. In summary, the available evidence is currently insufficient to determine the role of this variant in disease. Therefore, it has been classified as a Variant of Uncertain Significance.

Ambry Genetics
Classification: Likely benign for Inborn genetic diseases. Last evaluated: 2017-02-02. Review status: criteria provided, single submitter. Criteria: Ambry Variant Classification Scheme 2023. Collection method: clinical testing. Allele origin: germline.

NM_001374828.1(ARID1B):c.1292CAG[5] (p.Ala432_Ala433dup)

Gene: ARID1B (AT-rich interaction domain 1B; plus strand). Cytogenetic location: 6q25.3.
Variant type: Microsatellite.
Coding change: c.1292CAG[5] on transcript NM_001374828.1 (MANE Select); five copies in a row of the 3-base unit CAG starting at c.1292; the reference has three copies in a row; two copies, 6 bases duplicated.
Protein change: p.Ala432_Ala433dup.
Molecular consequence: inframe insertion.
Genome position (GRCh38, 1-based): chr6:156,778,975-156,778,980, CAGCAG duplicated; duplicating any 6 consecutive bases within chr6:156,778,971-156,778,980 gives the same sequence; the position shown is the placement nearest the transcript's 3' end. VCF-style (leftmost placement, unchanged base first): chr6-156778970-G-GGCAGCA. GRCh37 (hg19) VCF-style: chr6-157100104-G-GGCAGCA.
Other names: c.1292CAG[5], p.Ala432_Ala433dup (NM_001371656.1, NM_001374820.1, NM_017519.3).
Identifiers: ClinVar variation 588748 (VCV000588748.7), dbSNP rs797045267, ClinGen allele CA821298680.